The following is an entry in ClinVar:

NM_173551.5(ANKS6):c.1967G>A (p.Arg656His)

Genes: ANKS6 (ankyrin repeat and sterile alpha motif domain containing 6; minus strand), LOC124310614 (Sharpr-MPRA regulatory region 9654; plus strand). Cytogenetic location: 9q22.33.
Variant type: single nucleotide variant.
Coding change: c.1967G>A on transcript NM_173551.5 (MANE Select); coding-DNA position 1967, G replaced by A.
Protein change: p.Arg656His; replaces arginine 656 with histidine.
Molecular consequence: missense variant.
Genome position (GRCh38, 1-based): chr9:98,770,901, C>T on the plus strand (G>A on the coding strand, the complement: ANKS6 is on the minus strand). VCF-style: chr9-98770901-C-T. GRCh37 (hg19) VCF-style: chr9-101533183-C-T.
Other names: c.1967G>A (NM_173551.3, NM_173551.4); short protein forms R656H.
Identifiers: ClinVar variation 3596038 (VCV003596038.3).

ClinVar aggregate classification (germline): Uncertain significance. Review status: criteria provided, multiple submitters, no conflicts (2 of 4 stars). 3 submissions from 3 submitters: Uncertain significance (3). Last evaluated 2026-06-18.

Conditions:
Inborn genetic diseases. Identifiers: MedGen C0950123, MeSH D030342.
ANKS6-related disorder. Also called: ANKS6-related condition.
Nephronophthisis 16 (NPHP16). Identifiers: Orphanet 655, MedGen C3809320, MONDO:0014158, OMIM 615382.

Submissions (3):

PreventionGenetics, part of Exact Sciences
Classification: Uncertain significance for ANKS6-related condition. Last evaluated: 2026-06-18. Review status: criteria provided, single submitter. Criteria: ACMG Guidelines, 2015. Collection method: clinical testing. Allele origin: germline.
Comment: The ANKS6 c.1967G>A variant is predicted to result in the amino acid substitution p.Arg656His. To our knowledge, this variant has not been reported in the literature. This variant is reported in 0.0095% of alleles in individuals of African descent in gnomAD. At this time, the clinical significance of this variant is uncertain due to the absence of conclusive functional and genetic evidence.

Ambry Genetics
Classification: Uncertain significance for Inborn genetic diseases. Last evaluated: 2025-09-28. Review status: criteria provided, single submitter. Criteria: Ambry Variant Classification Scheme 2023. Collection method: clinical testing. Allele origin: germline.

Fulgent Genetics
Classification: Uncertain significance for Nephronophthisis 16. Last evaluated: 2024-04-05. Review status: criteria provided, single submitter. Criteria: ACMG Guidelines, 2015. Collection method: clinical testing. Allele origin: germline.